The following is an entry in ClinVar:

NM_006348.5(COG5):c.1160G>A (p.Arg387His)

Gene: COG5 (component of oligomeric golgi complex 5; minus strand). Cytogenetic location: 7q22.3.
Variant type: single nucleotide variant.
Coding change: c.1160G>A on transcript NM_006348.5 (MANE Select); coding-DNA position 1160, G replaced by A.
Protein change: p.Arg387His; replaces arginine 387 with histidine.
Molecular consequence: missense variant.
Genome position (GRCh38, 1-based): chr7:107,298,295, C>T on the plus strand (G>A on the coding strand, the complement: COG5 is on the minus strand). VCF-style: chr7-107298295-C-T. GRCh37 (hg19) VCF-style: chr7-106938740-C-T.
Other names: c.1160G>A, p.Arg387His (NM_001161520.2, NM_001379511.1, NM_001379512.1 and 3 more transcripts); c.590G>A, p.Arg197His (NM_001379515.1); c.446G>A, p.Arg149His (NM_001379516.1); short protein forms R387H, R197H, R149H.
Identifiers: ClinVar variation 706006 (VCV000706006.14), dbSNP rs35258567, ClinGen allele CA4430989.
Genomic context (GRCh38, chr7:107,298,295, plus strand): 5'-AAATTCCCTTGGATATGCTGACTGTATTGTTGAAGACGCTTCCATAAGTCATTATAAAGA[C>T]GTAATAATTTAGGGTATTCTCCTTCAAATGCCTGCTTCAAAAACATCGAAGCTGCCAAGC-3'
Protein context (NP_006339.4, residues 377-397): AFEGEYPKLL[Arg387His]LYNDLWKRLQ

ClinVar aggregate classification (germline): Conflicting classifications of pathogenicity. Review status: criteria provided, conflicting classifications (1 of 4 stars). 4 submissions from 4 submitters: Uncertain significance (1); Likely benign (2). 1 of the submissions does not count toward it. Last evaluated 2026-02-03.

Conditions:
COG5-related disorder. Also called: COG5-related condition.
Inborn genetic diseases. Identifiers: MedGen C0950123, MeSH D030342.
COG5-congenital disorder of glycosylation. Also called: CONGENITAL DISORDER OF GLYCOSYLATION, TYPE IIi; COG5-CDG; CDG IIi. Identifiers: Orphanet 263487, MedGen C3150876, MONDO:0013325, OMIM 613612.

Allele frequency attached by ClinVar (database versions not stated): gnomAD exomes 0.00033; ExAC 0.00040; gnomAD 0.00097 and 0.00106; ESP Exome Variant Server 0.00115; TOPMed 0.00117; 1000 Genomes Project 0.00140; 1000 Genomes Project 30x 0.00187.
gnomAD v4.1: 359 of 1,613,496 alleles (0.022%); highest among the groups gnomAD compares: African/African-American, 0.38%; 2 homozygotes.

Submissions (4):

Labcorp Genetics (formerly Invitae), Labcorp
Classification: Likely benign for COG5-congenital disorder of glycosylation. Last evaluated: 2026-02-03. Review status: criteria provided, single submitter. Criteria: Invitae Variant Classification Sherloc (09022015). Collection method: clinical testing. Allele origin: germline.

Ambry Genetics
Classification: Likely benign for Inborn genetic diseases. Last evaluated: 2025-02-27. Review status: criteria provided, single submitter. Criteria: Ambry Variant Classification Scheme 2023. Collection method: clinical testing. Allele origin: germline.

Illumina Laboratory Services, Illumina
Classification: Uncertain significance for COG5-congenital disorder of glycosylation. Last evaluated: 2018-01-13. Review status: criteria provided, single submitter. Criteria: ICSL Variant Classification Criteria 13 December 2019. Collection method: clinical testing. Allele origin: germline.

PreventionGenetics, part of Exact Sciences
Classification: Likely benign for COG5-related condition. Last evaluated: 2023-02-08. Review status: no assertion criteria provided. Collection method: clinical testing. Allele origin: germline. Not counted in ClinVar's aggregate classification.
Comment: This variant is classified as likely benign based on ACMG/AMP sequence variant interpretation guidelines (Richards et al. 2015 PMID: 25741868, with internal and published modifications).